The following is an entry in ClinVar:

NM_000540.3(RYR1):c.166-15C>T

Gene: RYR1 (ryanodine receptor 1; plus strand). Cytogenetic location: 19q13.2.
Variant type: single nucleotide variant.
Coding change: c.166-15C>T on transcript NM_000540.3 (MANE Select); 15 bases into the intron before coding-DNA position 166, C replaced by T.
Molecular consequence: intron variant.
Genome position (GRCh38, 1-based): chr19:38,442,334, C>T. VCF-style: chr19-38442334-C-T. GRCh37 (hg19) VCF-style: chr19-38932974-C-T.
Other names: c.166-15C>T (NM_001042723.2).
Identifiers: ClinVar variation 2727909 (VCV002727909.6), dbSNP rs943405475, ClinGen allele CA308110075.

ClinVar aggregate classification (germline): Likely benign. Review status: criteria provided, multiple submitters, no conflicts (2 of 4 stars). 3 submissions from 3 submitters: Likely benign (3). Last evaluated 2024-07-10.

Conditions:
RYR1-related disorder. Also called: RYR1-related disorders; RYR1-related condition. Identifiers: MedGen CN239331.
Malignant hyperthermia, susceptibility to, 1 (MHS1). Also called: Anesthesia related hyperthermia; Malignant hyperpyrexia; Fulminating hyperpyrexia; Pharmacogenic myopathy; RYR1-Related Malignant Hyperthermia Susceptibility; Malignant hyperthermia suceptibility 1. Identifiers: Orphanet 423, MedGen C2930980, MONDO:0007783, OMIM 145600.

gnomAD v4.1: 13 of 1,571,972 alleles (0.00083%); highest among the groups gnomAD compares: South Asian, 0.0011%; no homozygotes.

Submissions (3):

All of Us Research Program, National Institutes of Health
Classification: Likely benign for Malignant hyperthermia, susceptibility to, 1. Last evaluated: 2024-07-10. Review status: criteria provided, single submitter. Criteria: ACMG Guidelines, 2015. Collection method: clinical testing. Allele origin: germline. Inheritance: Autosomal dominant inheritance. Observed: 3 variant alleles, 3 heterozygotes.
Comment: This study involves interpretation of variants in research participants for the purpose of population health screening. Participant phenotype was not available at the time of variant classification. Additional details can be found in publication PMID: 35346344, PMCID: PMC8962531

Labcorp Genetics (formerly Invitae), Labcorp
Classification: Likely benign for RYR1-related disorder. Last evaluated: 2023-10-28. Review status: criteria provided, single submitter. Criteria: Invitae Variant Classification Sherloc (09022015). Collection method: clinical testing. Allele origin: germline.

Color Diagnostics, LLC DBA Color Health
Classification: Likely benign for Malignant hyperthermia, susceptibility to, 1. Last evaluated: 2023-01-12. Review status: criteria provided, single submitter. Criteria: ACMG Guidelines, 2015. Collection method: clinical testing. Allele origin: germline.